The following is an entry in ClinVar:

ClinVar aggregate classification (germline): Uncertain significance (1 of 4 stars; one submission).

Submission:

GeneDx
Classification: Uncertain significance. Last evaluated: 2024-10-09. Review status: criteria provided, single submitter. Criteria: GeneDx Variant Classification Process June 2021. Collection method: clinical testing. Allele origin: germline. Affected: yes.
Comment: Not observed at significant frequency in large population cohorts (gnomAD); In silico analysis indicates that this missense variant does not alter protein structure/function; Has not been previously published as pathogenic or benign to our knowledge

NM_024496.4(IRF2BPL):c.251C>T (p.Ser84Leu)

Genes: IRF2BPL (interferon regulatory factor 2 binding protein like; minus strand), LOC107984638 (uncharacterized LOC107984638; plus strand). Cytogenetic location: 14q24.3.
Variant type: single nucleotide variant.
Coding change: c.251C>T on transcript NM_024496.4 (MANE Select); coding-DNA position 251, C replaced by T.
Protein change: p.Ser84Leu; replaces serine 84 with leucine.
Molecular consequence: missense variant. On other transcripts: non-coding transcript variant (3).
Genome position (GRCh38, 1-based): chr14:77,027,542, G>A on the plus strand (C>T on the coding strand, the complement: IRF2BPL is on the minus strand). VCF-style: chr14-77027542-G-A. GRCh37 (hg19) VCF-style: chr14-77493885-G-A.
Other names: short protein forms S84L.
Identifiers: ClinVar variation 3781000 (VCV003781000.1).
Genomic context (GRCh38, chr14:77,027,542, plus strand): 5'-TGTTGCGCGGCGGCGGCGGCGGCCGCCGCTGCTGCCGCCGCCGCCGCCGCTTCCTTAGCC[G>A]ACAGGGCCACTGTCTTGACCCCGACGGGCGGCGGCGGCCCGGGGGAGCGGCCGTCCTGGA-3'
Protein context (NP_078772.1, residues 74-94): PPVGVKTVAL[Ser84Leu]AKEAAAAAAA